The following is an entry in ClinVar:

NM_138694.4(PKHD1):c.4593dup (p.Asn1532Ter)

Genes: PKHD1 (PKHD1 ciliary IPT domain containing fibrocystin/polyductin; minus strand), LOC126859690 (MED14-independent group 3 enhancer GRCh37_chr6:51888848-51890047; plus strand). Cytogenetic location: 6p12.2.
Variant type: Duplication.
Coding change: c.4593dup on transcript NM_138694.4 (MANE Select); coding-DNA position 4593, one base duplicated (T; older notation c.4593dupT).
Protein change: p.Asn1532Ter; replaces asparagine 1532 with a stop codon.
Molecular consequence: nonsense.
Genome position (GRCh38, 1-based): chr6:52,025,217, A duplicated on the plus strand (T on the coding strand, the reverse complement: PKHD1 is on the minus strand); the first of 7 consecutive A bases (chr6:52,025,217-52,025,223); duplicating any one gives the same sequence. VCF-style (leftmost placement, unchanged base first): chr6-52025216-T-TA. GRCh37 (hg19) VCF-style: chr6-51890014-T-TA.
Other names: c.4593dup, p.Asn1532Ter (NM_170724.3); short protein forms N1532*.
Identifiers: ClinVar variation 370138 (VCV000370138.14), dbSNP rs1057516263, ClinGen allele CA16041053.

ClinVar aggregate classification (germline): Pathogenic. Review status: criteria provided, multiple submitters, no conflicts (2 of 4 stars). 4 submissions from 4 submitters: Pathogenic (3). 1 of the submissions does not count toward it. Last evaluated 2025-12-12.

Conditions:
Polycystic kidney disease 4 (PKD4). Also called: Autosomal Recessive Polycystic Kidney Disease – PKHD1; POLYCYSTIC KIDNEY AND HEPATIC DISEASE 1; POLYCYSTIC KIDNEY DISEASE, INFANTILE, TYPE I; POLYCYSTIC KIDNEY DISEASE 4 WITH OR WITHOUT POLYCYSTIC LIVER DISEASE; PKD3. Identifiers: MedGen C4540575, MONDO:0033004, OMIM 263200.
Autosomal recessive polycystic kidney disease (ARPKD). Also called: AR polycystic kidney disease. Identifiers: Orphanet 731, Orphanet 8378, MedGen C0085548, MeSH D017044, MONDO:0009889.

Submissions (4):

Natera, Inc.
Classification: Pathogenic for Autosomal recessive polycystic kidney disease. Last evaluated: 2025-12-12. Review status: criteria provided, single submitter. Criteria: Natera Variant Classification Schema (03/2026). Collection method: clinical testing. Allele origin: germline.
Comment: The c.4593dupT variant in PKHD1 is a frameshift variant predicted to shift the reading frame and introduce a stop codon. This variant is expected to result in nonsense mediated decay, truncation, or a dysfunctional protein product. This variant is rare in the general population with a frequency below the threshold expected for the associated phenotype(s). This variant has been observed in one or more individuals affected with the associated recessive disease, as either homozygous or compound heterozygous with a second variant (PMID: 15108281). Additionally, this variant has been observed to segregate in affected family members (PMID: 15108281). Given the available evidence, this variant is classified as Pathogenic.

Fulgent Genetics
Classification: Pathogenic for Polycystic kidney disease 4. Last evaluated: 2024-02-12. Review status: criteria provided, single submitter. Criteria: ACMG Guidelines, 2015. Collection method: clinical testing. Allele origin: germline.

Labcorp Genetics (formerly Invitae), Labcorp
Classification: Pathogenic for Autosomal recessive polycystic kidney disease. Last evaluated: 2023-01-08. Review status: criteria provided, single submitter. Criteria: Invitae Variant Classification Sherloc (09022015). Collection method: clinical testing. Allele origin: germline.
Comment: For these reasons, this variant has been classified as Pathogenic. ClinVar contains an entry for this variant (Variation ID: 370138). This premature translational stop signal has been observed in individual(s) with clinical features of polycystic kidney disease (PMID: 15108281). This variant is not present in population databases (gnomAD no frequency). This sequence change creates a premature translational stop signal (p.Asn1532*) in the PKHD1 gene. It is expected to result in an absent or disrupted protein product. Loss-of-function variants in PKHD1 are known to be pathogenic (PMID: 19940839).

Counsyl
Classification: Likely pathogenic for Polycystic kidney disease 4. Last evaluated: 2015-12-14. Review status: no assertion criteria provided. Collection method: clinical testing. Allele origin: unknown. Not counted in ClinVar's aggregate classification.

Literature cited by the submitters: PubMed 15108281 (cited by 3 submitters); PubMed 19940839 (cited by Labcorp Genetics (formerly Invitae), Labcorp).